The following is an entry in ClinVar:

NM_052947.4(ALPK2):c.3176A>T (p.His1059Leu)

Gene: ALPK2 (alpha kinase 2; minus strand). Cytogenetic location: 18q21.31.
Variant type: single nucleotide variant.
Coding change: c.3176A>T on transcript NM_052947.4 (MANE Select); coding-DNA position 3176, A replaced by T.
Protein change: p.His1059Leu; replaces histidine 1059 with leucine.
Molecular consequence: missense variant.
Genome position (GRCh38, 1-based): chr18:58,537,011, T>A on the plus strand (A>T on the coding strand, the complement: ALPK2 is on the minus strand). VCF-style: chr18-58537011-T-A. GRCh37 (hg19) VCF-style: chr18-56204243-T-A.
Other names: short protein forms H1059L.
Identifiers: ClinVar variation 3531077 (VCV003531077.1).

ClinVar aggregate classification (germline): Uncertain significance (1 of 4 stars; one submission).

Submission:

Ambry Genetics
Classification: Uncertain significance. Last evaluated: 2024-08-07. Review status: criteria provided, single submitter. Criteria: Ambry Variant Classification Scheme 2023. Collection method: clinical testing. Allele origin: germline.
Comment: The p.H1059L variant (also known as c.3176A>T), located in coding exon 4 of the ALPK2 gene, results from an A to T substitution at nucleotide position 3176. The histidine at codon 1059 is replaced by leucine, an amino acid with similar properties. This amino acid position is conserved. In addition, this alteration is predicted to be tolerated by in silico analysis. Based on the available evidence, the clinical significance of this variant remains unclear.